The following is an entry in ClinVar:

ClinVar aggregate classification (germline): Conflicting classifications of pathogenicity. Review status: criteria provided, conflicting classifications (1 of 4 stars). 5 submissions from 5 submitters: Uncertain significance (3); Likely benign (1). 1 of the submissions does not count toward it. Last evaluated 2022-08-15.

Conditions:
SYNE4-related disorder. Also called: SYNE4-related condition.

Allele frequency attached by ClinVar (database versions not stated): gnomAD 0.00063 and 0.00058; TOPMed 0.00063; 1000 Genomes Project 0.00140; 1000 Genomes Project 30x 0.00203; gnomAD exomes 0.00004 and 0.00013; ExAC 0.00019; ESP Exome Variant Server 0.00041.
gnomAD v4.1: 152 of 1,610,438 alleles (0.0094%); highest among the groups gnomAD compares: African/African-American, 0.18%; no homozygotes.

Submissions (5):

Labcorp Genetics (formerly Invitae), Labcorp
Classification: Uncertain significance. Last evaluated: 2022-08-15. Review status: criteria provided, single submitter. Criteria: Invitae Variant Classification Sherloc (09022015). Collection method: clinical testing. Allele origin: germline.
Comment: This sequence change replaces glutamic acid, which is acidic and polar, with lysine, which is basic and polar, at codon 93 of the SYNE4 protein (p.Glu93Lys). This variant is present in population databases (rs145204031, gnomAD 0.2%). This variant has not been reported in the literature in individuals affected with SYNE4-related conditions. ClinVar contains an entry for this variant (Variation ID: 594212). Algorithms developed to predict the effect of missense changes on protein structure and function are either unavailable or do not agree on the potential impact of this missense change (SIFT: "Deleterious"; PolyPhen-2: "Benign"; Align-GVGD: "Class C0"). In summary, the available evidence is currently insufficient to determine the role of this variant in disease. Therefore, it has been classified as a Variant of Uncertain Significance.

Blueprint Genetics
Classification: Uncertain significance. Last evaluated: 2021-09-24. Review status: criteria provided, single submitter. Criteria: ACMG Guidelines, 2015. Collection method: clinical testing. Allele origin: germline.

GeneDx
Classification: Likely benign. Last evaluated: 2020-04-06. Review status: criteria provided, single submitter. Criteria: GeneDx Variant Classification Process June 2021. Collection method: clinical testing. Allele origin: germline. Affected: yes.

Eurofins Ntd Llc (ga)
Classification: Uncertain significance. Last evaluated: 2017-10-12. Review status: criteria provided, single submitter. Criteria: EGL Classification Definitions 2015. Collection method: clinical testing. Allele origin: germline. Observed: 1 variant allele, 1 heterozygote.

PreventionGenetics, part of Exact Sciences
Classification: Likely benign for SYNE4-related condition. Last evaluated: 2024-06-03. Review status: no assertion criteria provided. Collection method: clinical testing. Allele origin: germline. Not counted in ClinVar's aggregate classification.
Comment: This variant is classified as likely benign based on ACMG/AMP sequence variant interpretation guidelines (Richards et al. 2015 PMID: 25741868, with internal and published modifications).

NM_001039876.3(SYNE4):c.277G>A (p.Glu93Lys)

Gene: SYNE4 (spectrin repeat containing nuclear envelope family member 4; minus strand). Cytogenetic location: 19q13.12.
Variant type: single nucleotide variant.
Coding change: c.277G>A on transcript NM_001039876.3 (MANE Select); coding-DNA position 277, G replaced by A.
Protein change: p.Glu93Lys; replaces glutamic acid 93 with lysine.
Molecular consequence: missense variant.
Genome position (GRCh38, 1-based): chr19:36,008,219, C>T on the plus strand (G>A on the coding strand, the complement: SYNE4 is on the minus strand). VCF-style: chr19-36008219-C-T. GRCh37 (hg19) VCF-style: chr19-36499121-C-T.
Other names: c.277G>A, p.Glu93Lys (NM_001297735.3); short protein forms E93K.
Identifiers: ClinVar variation 594212 (VCV000594212.12), dbSNP rs145204031, ClinGen allele CA9393980.